The following is an entry in ClinVar:

NM_078629.4(MSL3):c.1505C>T (p.Ser502Leu)

Gene: MSL3 (MSL complex subunit 3; plus strand). Cytogenetic location: Xp22.2.
Variant type: single nucleotide variant.
Coding change: c.1505C>T on transcript NM_078629.4 (MANE Select); coding-DNA position 1505, C replaced by T.
Protein change: p.Ser502Leu; replaces serine 502 with leucine.
Molecular consequence: missense variant.
Genome position (GRCh38, 1-based): chrX:11,775,018, C>T. VCF-style: chrX-11775018-C-T. GRCh37 (hg19) VCF-style: chrX-11793137-C-T.
Other names: c.1469C>T, p.Ser490Leu (NM_001193270.2); c.1058C>T, p.Ser353Leu (NM_001282174.1); c.1007C>T, p.Ser336Leu (NM_006800.4); c.1505C>T (NM_078629.3); short protein forms S336L, S353L, S490L, S502L.
Identifiers: ClinVar variation 2576643 (VCV002576643.2), dbSNP rs1209840930, ClinGen allele CA412067323.

ClinVar aggregate classification (germline): Uncertain significance. Review status: criteria provided, multiple submitters, no conflicts (2 of 4 stars). 2 submissions from 2 submitters: Uncertain significance (2). Last evaluated 2025-05-01.

Conditions:
Inborn genetic diseases. Identifiers: MedGen C0950123, MeSH D030342.

Allele frequency attached by ClinVar (database versions not stated): gnomAD exomes below 0.00001; TOPMed 0.00002; gnomAD 0.00003.
gnomAD v4.1: 5 of 1,207,270 alleles (0.00041%); highest among the groups gnomAD compares: African/African-American, 0.0035%; no homozygotes.

Submissions (2):

Ambry Genetics
Classification: Uncertain significance for Inborn genetic diseases. Last evaluated: 2025-05-01. Review status: criteria provided, single submitter. Criteria: Ambry Variant Classification Scheme 2023. Collection method: clinical testing. Allele origin: germline.

GeneDx
Classification: Uncertain significance. Last evaluated: 2023-02-20. Review status: criteria provided, single submitter. Criteria: GeneDx Variant Classification Process June 2021. Collection method: clinical testing. Allele origin: germline. Affected: yes.
Comment: Not observed at significant frequency in large population cohorts (gnomAD); In silico analysis supports that this missense variant has a deleterious effect on protein structure/function; Has not been previously published as pathogenic or benign to our knowledge